The following is an entry in ClinVar:

ClinVar aggregate classification (germline): Likely benign (1 of 4 stars; one submission).

Allele frequency attached by ClinVar (database versions not stated): ExAC 0.00017.

Submission:

CeGaT Center for Human Genetics Tuebingen
Classification: Likely benign. Last evaluated: 2024-07-01. Review status: criteria provided, single submitter. Criteria: CeGaT Center For Human Genetics Tuebingen Variant Classification Criteria Version 2. Collection method: clinical testing. Allele origin: germline. Affected: yes. Observed: 3 variant alleles.
Comment: ICOSLG: BP4, BS2

NM_015259.6(ICOSLG):c.898+385G>A

Gene: ICOSLG (inducible T cell costimulator ligand; minus strand). Cytogenetic location: 21q22.3.
Variant type: single nucleotide variant.
Coding change: c.898+385G>A on transcript NM_015259.6 (MANE Select); 385 bases into the intron after coding-DNA position 898, G replaced by A.
Molecular consequence: intron variant.
Genome position (GRCh38, 1-based): chr21:44,229,669, C>T on the plus strand (G>A on the coding strand, the complement: ICOSLG is on the minus strand). VCF-style: chr21-44229669-C-T. GRCh37 (hg19) VCF-style: chr21-45649552-C-T.
Other names: c.547+385G>A (NM_001283051.2); c.643+385G>A (NM_001283052.2); c.898+385G>A (NM_001283050.2); c.899-123G>A (NM_001395918.1); c.817+385G>A (NM_001365759.2).
Identifiers: ClinVar variation 2652734 (VCV002652734.24), dbSNP rs745321009, ClinGen allele CA10051126.